The following is an entry in ClinVar:

ClinVar aggregate classification (germline): Uncertain significance. Review status: criteria provided, multiple submitters, no conflicts (2 of 4 stars). 2 submissions from 2 submitters: Uncertain significance (2). Last evaluated 2023-01-31.

Conditions:
Inclusion body myopathy with Paget disease of bone and frontotemporal dementia. Also called: Inclusion body myopathy with early-onset Paget disease and frontotemporal dementia. Identifiers: Orphanet 52430, MedGen C1833662, MONDO:0000507.
Frontotemporal dementia and/or amyotrophic lateral sclerosis 6 (FTDALS6). Also called: VCP-Related Amyotrophic Lateral Sclerosis; VCP-Related Amyotrophic Lateral Sclerosis/Frontotemporal Dementia. Identifiers: Orphanet 275872, Orphanet 803, MedGen C5436279, MONDO:0013501, OMIM 613954.

Allele frequency attached by ClinVar (database versions not stated): gnomAD exomes 0.00001.
gnomAD v4.1: 4 of 1,614,206 alleles (0.00025%); highest among the groups gnomAD compares: Non-Finnish European, 0.00034%; no homozygotes.

Submissions (2):

GeneDx
Classification: Uncertain significance. Last evaluated: 2023-01-31. Review status: criteria provided, single submitter. Criteria: GeneDx Variant Classification Process June 2021. Collection method: clinical testing. Allele origin: germline. Affected: yes.
Comment: Not observed at significant frequency in large population cohorts (gnomAD); In silico analysis supports that this missense variant does not alter protein structure/function; Has not been previously published as pathogenic or benign to our knowledge

Labcorp Genetics (formerly Invitae), Labcorp
Classification: Uncertain significance for Inclusion body myopathy with Paget disease of bone and frontotemporal dementia; Frontotemporal dementia and/or amyotrophic lateral sclerosis 6. Last evaluated: 2020-10-01. Review status: criteria provided, single submitter. Criteria: Invitae Variant Classification Sherloc (09022015). Collection method: clinical testing. Allele origin: germline.
Comment: This variant is not present in population databases (ExAC no frequency). This sequence change replaces glycine with valine at codon 782 of the VCP protein (p.Gly782Val). The glycine residue is moderately conserved and there is a moderate physicochemical difference between glycine and valine. This variant has not been reported in the literature in individuals with VCP-related conditions. Advanced modeling of protein sequence and biophysical properties (such as structural, functional, and spatial information, amino acid conservation, physicochemical variation, residue mobility, and thermodynamic stability) performed at Invitae indicates that this missense variant is not expected to disrupt VCP protein function. In summary, the available evidence is currently insufficient to determine the role of this variant in disease. Therefore, it has been classified as a Variant of Uncertain Significance.

NM_007126.5(VCP):c.2345G>T (p.Gly782Val)

Gene: VCP (valosin containing protein; minus strand). Cytogenetic location: 9p13.3.
Variant type: single nucleotide variant.
Coding change: c.2345G>T on transcript NM_007126.5 (MANE Select); coding-DNA position 2345, G replaced by T.
Protein change: p.Gly782Val; replaces glycine 782 with valine.
Molecular consequence: missense variant.
Genome position (GRCh38, 1-based): chr9:35,057,193, C>A on the plus strand (G>T on the coding strand, the complement: VCP is on the minus strand). VCF-style: chr9-35057193-C-A. GRCh37 (hg19) VCF-style: chr9-35057190-C-A.
Other names: c.2210G>T, p.Gly737Val (NM_001354927.2, NM_001354928.2); c.2345G>T (NM_007126.3); short protein forms G737V, G782V.
Identifiers: ClinVar variation 1058517 (VCV001058517.8), dbSNP rs1828626335, ClinGen allele CA373268460.